The following is an entry in ClinVar:

NM_004329.3(BMPR1A):c.1416G>C (p.Glu472Asp)

Gene: BMPR1A (bone morphogenetic protein receptor type 1A; plus strand). Cytogenetic location: 10q23.2.
Variant type: single nucleotide variant.
Coding change: c.1416G>C on transcript NM_004329.3 (MANE Select); coding-DNA position 1416, G replaced by C.
Protein change: p.Glu472Asp; replaces glutamic acid 472 with aspartic acid.
Molecular consequence: missense variant.
Genome position (GRCh38, 1-based): chr10:86,923,449, G>C. VCF-style: chr10-86923449-G-C. GRCh37 (hg19) VCF-style: chr10-88683206-G-C.
Other names: short protein forms E472D.
Identifiers: ClinVar variation 486813 (VCV000486813.23), dbSNP rs1410256559, ClinGen allele CA377462998.

ClinVar aggregate classification (germline): Uncertain significance. Review status: criteria provided, multiple submitters, no conflicts (2 of 4 stars). 6 submissions from 6 submitters: Uncertain significance (6). Last evaluated 2025-07-22.

Conditions:
Juvenile polyposis syndrome (JPS). Identifiers: Orphanet 2929, MedGen C0345893, MONDO:0017380, OMIM 174900.
Hereditary cancer-predisposing syndrome. Also called: Tumor predisposition; Neoplastic Syndromes, Hereditary; Hereditary Cancer Syndrome; Hereditary neoplastic syndrome. Identifiers: Orphanet 140162, MedGen C0027672, MeSH D009386, MONDO:0015356.
Polyposis syndrome, hereditary mixed, 2. Identifiers: Orphanet 157794, MedGen C1864730, MONDO:0012405, OMIM 610069.

Allele frequency attached by ClinVar (database versions not stated): TOPMed below 0.00001; gnomAD 0.00001.
gnomAD v4.1: 3 of 1,614,110 alleles (0.00019%); highest among the groups gnomAD compares: Non-Finnish European, 0.00025%; no homozygotes.

Submissions (6):

Labcorp Genetics (formerly Invitae), Labcorp
Classification: Uncertain significance for Juvenile polyposis syndrome. Last evaluated: 2025-07-22. Review status: criteria provided, single submitter. Criteria: Invitae Variant Classification Sherloc (09022015). Collection method: clinical testing. Allele origin: germline.
Comment: This sequence change replaces glutamic acid, which is acidic and polar, with aspartic acid, which is acidic and polar, at codon 472 of the BMPR1A protein (p.Glu472Asp). This variant is not present in population databases (gnomAD no frequency). This variant has not been reported in the literature in individuals affected with BMPR1A-related conditions. ClinVar contains an entry for this variant (Variation ID: 486813). Invitae Evidence Modeling of protein sequence and biophysical properties (such as structural, functional, and spatial information, amino acid conservation, physicochemical variation, residue mobility, and thermodynamic stability) indicates that this missense variant is not expected to disrupt BMPR1A protein function with a negative predictive value of 80%. In summary, the available evidence is currently insufficient to determine the role of this variant in disease. Therefore, it has been classified as a Variant of Uncertain Significance.

GeneDx
Classification: Uncertain significance. Last evaluated: 2025-07-11. Review status: criteria provided, single submitter. Criteria: GeneDx Variant Classification Process June 2021. Collection method: clinical testing. Allele origin: germline. Affected: yes.
Comment: Not observed at significant frequency in large population cohorts (gnomAD); In silico analysis suggests that this missense variant does not alter protein structure/function; Observed in a patient with papillary thyroid cancer (PMID: 33821390); This variant is associated with the following publications: (PMID: 33821390)

Ambry Genetics
Classification: Uncertain significance for Hereditary cancer-predisposing syndrome. Last evaluated: 2024-03-16. Review status: criteria provided, single submitter. Criteria: Ambry Variant Classification Scheme 2023. Collection method: clinical testing. Allele origin: germline.
Comment: The p.E472D variant (also known as c.1416G>C), located in coding exon 10 of the BMPR1A gene, results from a G to C substitution at nucleotide position 1416. The glutamic acid at codon 472 is replaced by aspartic acid, an amino acid with highly similar properties. This alteration has been reported in a patient with thyroid cancer (Mio C et al. Endocrine, 2021 09;73:648-657). This amino acid position is well conserved in available vertebrate species. In addition, this alteration is predicted to be tolerated by in silico analysis. Since supporting evidence is limited at this time, the clinical significance of this alteration remains unclear.

All of Us Research Program, National Institutes of Health
Classification: Uncertain significance for Juvenile polyposis syndrome. Last evaluated: 2023-09-17. Review status: criteria provided, single submitter. Criteria: ACMG Guidelines, 2015. Collection method: clinical testing. Allele origin: germline. Inheritance: Autosomal dominant inheritance. Observed: 1 variant allele, 1 heterozygote.
Comment: This missense variant replaces glutamic acid with aspartic acid at codon 472 of the BMPR1A protein. Computational prediction suggests that this variant may not impact protein structure and function (internally defined REVEL score threshold <= 0.5, PMID: 27666373). To our knowledge, functional studies have not been performed for this variant. A different nucleotide change, c.1416G>T, resulting in the same amino acid change p.Glu472Asp has been observed in an individual affected with papillary thyroid carcinoma (PMID: 33821390). This variant has not been identified in the general population by the Genome Aggregation Database (gnomAD). The available evidence is insufficient to determine the role of this variant in disease conclusively. Therefore, this variant is classified as a Variant of Uncertain Significance.

This study involves interpretation of variants in research participants for the purpose of population health screening. Participant phenotype was not available at the time of variant classification. Additional details can be found in publication PMID: 35346344, PMCID: PMC8962531

Baylor Genetics
Classification: Uncertain significance for Polyposis syndrome, hereditary mixed, 2. Last evaluated: 2023-09-06. Review status: criteria provided, single submitter. Criteria: ACMG Guidelines, 2015. Collection method: clinical testing. Allele origin: unknown.

Color Diagnostics, LLC DBA Color Health
Classification: Uncertain significance for Hereditary cancer-predisposing syndrome. Last evaluated: 2023-08-31. Review status: criteria provided, single submitter. Criteria: ACMG Guidelines, 2015. Collection method: clinical testing. Allele origin: germline.
Comment: This missense variant replaces glutamic acid with aspartic acid at codon 472 of the BMPR1A protein. Computational prediction suggests that this variant may not impact protein structure and function (internally defined REVEL score threshold <= 0.5, PMID: 27666373). To our knowledge, functional studies have not been performed for this variant. A different nucleotide change, c.1416G>T, resulting in the same amino acid change p.Glu472Asp has been observed in an individual affected with papillary thyroid carcinoma (PMID: 33821390). This variant has not been identified in the general population by the Genome Aggregation Database (gnomAD). The available evidence is insufficient to determine the role of this variant in disease conclusively. Therefore, this variant is classified as a Variant of Uncertain Significance.

Literature cited by the submitters: PubMed 33821390 (cited by 3 submitters).